The following is an entry in ClinVar:

NM_001005242.3(PKP2):c.1379-2A>G

Gene: PKP2 (plakophilin 2; minus strand). Cytogenetic location: 12p11.21.
Variant type: single nucleotide variant.
Coding change: c.1379-2A>G on transcript NM_001005242.3 (MANE Select); the canonical splice acceptor site of the intron before coding-DNA position 1379, A replaced by G.
Molecular consequence: splice acceptor variant.
Genome position (GRCh38, 1-based): chr12:32,841,207, T>C on the plus strand (A>G on the coding strand, the complement: PKP2 is on the minus strand). VCF-style: chr12-32841207-T-C. GRCh37 (hg19) VCF-style: chr12-32994141-T-C.
Other names: c.1379-2A>G (NM_001407156.1, NM_001407155.1, NM_001407161.1); c.1511-2A>G (NM_004572.4, NM_001407157.1); c.1052-2A>G (NM_001407160.1, NM_001407159.1, NM_001407158.1 and 1 more transcripts).
Identifiers: ClinVar variation 1205033 (VCV001205033.6), dbSNP rs1453983744, ClinGen allele CA384368193.

ClinVar aggregate classification (germline): Pathogenic. Review status: criteria provided, multiple submitters, no conflicts (2 of 4 stars). 2 submissions from 2 submitters: Pathogenic (2). Last evaluated 2026-09-14.

Conditions:
Arrhythmogenic right ventricular dysplasia 9 (ARVD9). Also called: ARRHYTHMOGENIC RIGHT VENTRICULAR DYSPLASIA, FAMILIAL, 9; Arrhythmogenic Right Ventricular Dysplasia/Cardiomyopathy 9. Identifiers: MedGen C1836906, MONDO:0012180, OMIM 609040.

Submissions (2):

GeneDx
Classification: Pathogenic. Last evaluated: 2026-09-14. Review status: criteria provided, single submitter. Criteria: GeneDx Variant Classification Process June 2021. Collection method: clinical testing. Allele origin: germline.
Comment: Not observed at significant frequency in large population cohorts (gnomAD); Canonical splice site variant predicted to result in a null allele in a gene for which loss of function is a known mechanism of disease; This variant is associated with the following publications: (PMID: 31386562, 31402444, 38336791, 25087486)

Labcorp Genetics (formerly Invitae), Labcorp
Classification: Pathogenic for Arrhythmogenic right ventricular dysplasia 9. Last evaluated: 2024-12-12. Review status: criteria provided, single submitter. Criteria: Invitae Variant Classification Sherloc (09022015). Collection method: clinical testing. Allele origin: germline.
Comment: This sequence change affects an acceptor splice site in intron 6 of the PKP2 gene. RNA analysis indicates that disruption of this splice site induces altered splicing and may result in an absent or altered protein product. This variant is not present in population databases (gnomAD no frequency). Disruption of this splice site has been observed in individuals with arrythmogenic right ventricular cardiomyopathy (ARVC) (PMID: 25087486, 38336791). ClinVar contains an entry for this variant (Variation ID: 1205033). Studies have shown that disruption of this splice site results in skipping of exon 7, and produces a non-functional protein and/or introduces a premature termination codon (PMID: 25087486). For these reasons, this variant has been classified as Pathogenic.

Literature cited by the submitters: PubMed 25087486 (cited by Labcorp Genetics (formerly Invitae), Labcorp); PubMed 38336791 (cited by Labcorp Genetics (formerly Invitae), Labcorp).